The following is an entry in ClinVar:

NM_000179.3(MSH6):c.2819C>T (p.Ala940Val)

Gene: MSH6 (mutS homolog 6; plus strand). Cytogenetic location: 2p16.3.
Variant type: single nucleotide variant.
Coding change: c.2819C>T on transcript NM_000179.3 (MANE Select); coding-DNA position 2819, C replaced by T.
Protein change: p.Ala940Val; replaces alanine 940 with valine.
Molecular consequence: missense variant. On other transcripts: non-coding transcript variant (5), intron variant (2).
Genome position (GRCh38, 1-based): chr2:47,800,802, C>T. VCF-style: chr2-47800802-C-T. GRCh37 (hg19) VCF-style: chr2-48027941-C-T.
Other names: c.2429C>T, p.Ala810Val (NM_001281492.2); c.1913C>T, p.Ala638Val (NM_001281493.2, NM_001281494.2, NM_001406811.1 and 6 more transcripts); c.2915C>T, p.Ala972Val (NM_001406795.1, NM_001406802.1); c.2819C>T, p.Ala940Val (NM_001406796.1, NM_001406798.1, NM_001406800.1 and 2 more transcripts); c.2522C>T, p.Ala841Val (NM_001406797.1, NM_001406801.1, NM_001406805.1 and 10 more transcripts); c.2294C>T, p.Ala765Val (NM_001406799.1, NM_001406806.1, NM_001406807.1); c.2741C>T, p.Ala914Val (NM_001406804.1); c.2825C>T, p.Ala942Val (NM_001406813.1); and 4 more; short protein forms A255V, A638V, A765V, A810V, A841V, A884V, A914V, A940V.
Identifiers: ClinVar variation 4758973 (VCV004758973.1).

ClinVar aggregate classification (germline): Uncertain significance (1 of 4 stars; one submission).

Conditions:
Hereditary cancer-predisposing syndrome. Also called: Neoplastic Syndromes, Hereditary; Hereditary neoplastic syndrome; Tumor predisposition; Hereditary Cancer Syndrome. Identifiers: Orphanet 140162, MedGen C0027672, MeSH D009386, MONDO:0015356.

gnomAD v4.1: 2 of 1,614,108 alleles (0.00012%); highest among the groups gnomAD compares: South Asian, 0.0011%; no homozygotes.

Submission:

Color Diagnostics, LLC DBA Color Health
Classification: Uncertain significance for Hereditary cancer-predisposing syndrome. Last evaluated: 2025-07-25. Review status: criteria provided, single submitter. Criteria: ACMG Guidelines, 2015. Collection method: clinical testing. Allele origin: germline.
Comment: This missense variant replaces alanine with valine at codon 940 of the MSH6 protein. Computational prediction is inconclusive regarding the impact of this variant on protein structure and function. To our knowledge, functional studies have not been reported for this variant. This variant has not been reported in individuals affected with MSH6-related disorders in the literature. This variant has not been identified in the general population by the Genome Aggregation Database (gnomAD). The available evidence is insufficient to determine the role of this variant in disease conclusively. Therefore, this variant is classified as a Variant of Uncertain Significance.